The following is an entry in ClinVar:

NM_001127222.2(CACNA1A):c.949A>C (p.Met317Leu)

Gene: CACNA1A (calcium voltage-gated channel subunit alpha1 A; minus strand). Cytogenetic location: 19p13.13.
Variant type: single nucleotide variant.
Coding change: c.949A>C on transcript NM_001127222.2 (MANE Select); coding-DNA position 949, A replaced by C.
Protein change: p.Met317Leu; replaces methionine 317 with leucine.
Molecular consequence: missense variant.
Genome position (GRCh38, 1-based): chr19:13,359,635, T>G on the plus strand (A>C on the coding strand, the complement: CACNA1A is on the minus strand). VCF-style: chr19-13359635-T-G. GRCh37 (hg19) VCF-style: chr19-13470449-T-G.
Other names: c.949A>C, p.Met317Leu (NM_000068.4, NM_001127221.2, NM_001174080.2 and 1 more transcripts); short protein forms M317L.
Identifiers: ClinVar variation 2943250 (VCV002943250.3), dbSNP rs2513151774, ClinGen allele CA404346980.
Genomic context (GRCh38, chr19:13,359,635, plus strand): 5'-TGTCCACACACACTGTCCCAGCATCACTTACATTGTAGAGGAGATCAGTCCACCCTTCCA[T>G]GGTTATGCACTGGAAAACAGTCAGCACTGCAAACAGGATGTTGTCGAACTGAGTGATCCC-3'
Protein context (NP_001120694.1, residues 307-327): AVLTVFQCIT[Met317Leu]EGWTDLLYNS

ClinVar aggregate classification (germline): Likely pathogenic (1 of 4 stars; one submission).

Conditions:
Episodic ataxia type 2 (EA2). Also called: CEREBELLAR ATAXIA, PAROXYSMAL, ACETAZOLAMIDE-RESPONSIVE; CEREBELLOPATHY, HEREDITARY PAROXYSMAL; EPISODIC ATAXIA, NYSTAGMUS-ASSOCIATED; ACETAZOLAMIDE-RESPONSIVE HEREDITARY PAROXYSMAL CEREBELLAR ATAXIA; ATAXIA, EPISODIC, WITH NYSTAGMUS; ATAXIA, FAMILIAL PAROXYSMAL. Identifiers: Orphanet 97, MedGen C1720416, MONDO:0007163, OMIM 108500.
Developmental and epileptic encephalopathy, 42 (DEE42A). Also called: Epileptic encephalopathy, early infantile, 42; DEVELOPMENTAL AND EPILEPTIC ENCEPHALOPATHY 42A; EPILEPTIC ENCEPHALOPATHY, EARLY INFANTILE, 42A. Identifiers: MedGen C4310716, MONDO:0014917, OMIM 617106.

Submission:

Labcorp Genetics (formerly Invitae), Labcorp
Classification: Likely pathogenic for Developmental and epileptic encephalopathy, 42; Episodic ataxia type 2. Last evaluated: 2023-06-09. Review status: criteria provided, single submitter. Criteria: Invitae Variant Classification Sherloc (09022015). Collection method: clinical testing. Allele origin: germline.
Comment: In summary, the currently available evidence indicates that the variant is pathogenic, but additional data are needed to prove that conclusively. Therefore, this variant has been classified as Likely Pathogenic. Advanced modeling of protein sequence and biophysical properties (such as structural, functional, and spatial information, amino acid conservation, physicochemical variation, residue mobility, and thermodynamic stability) has been performed at Invitae for this missense variant, however the output from this modeling did not meet the statistical confidence thresholds required to predict the impact of this variant on CACNA1A protein function. This missense change has been observed in individual(s) with clinical features of developmental and epileptic encephalopathy (Invitae). In at least one individual the variant was observed to be de novo. This variant is not present in population databases (gnomAD no frequency). This sequence change replaces methionine, which is neutral and non-polar, with leucine, which is neutral and non-polar, at codon 317 of the CACNA1A protein (p.Met317Leu).